The following is an entry in ClinVar:

ClinVar aggregate classification (germline): Uncertain significance (1 of 4 stars; one submission).

Conditions:
Kabuki syndrome. Also called: NIIKAWA-KUROKI SYNDROME; Kabuki make-up syndrome. Identifiers: Orphanet 2322, MedGen C0796004, MONDO:0016512.

Submission:

Labcorp Genetics (formerly Invitae), Labcorp
Classification: Uncertain significance for Kabuki syndrome. Last evaluated: 2025-07-06. Review status: criteria provided, single submitter. Criteria: Invitae Variant Classification Sherloc (09022015). Collection method: clinical testing. Allele origin: germline.
Comment: This variant, c.11756_11818dup, results in the insertion of 21 amino acid(s) of the KMT2D protein (p.Gln3919_Gln3939dup), but otherwise preserves the integrity of the reading frame. This variant is not present in population databases (gnomAD no frequency). This variant has not been reported in the literature in individuals affected with KMT2D-related conditions. In summary, the available evidence is currently insufficient to determine the role of this variant in disease. Therefore, it has been classified as a Variant of Uncertain Significance.

NM_003482.4(KMT2D):c.11756_11818dup (p.Gln3939_Leu3940insGlnLeuGlnGlnGlnGlnGlnLeuGlnGlnGlnGlnLeuGlnGlnGlnGlnGlnGlnGlnGln)

Gene: KMT2D (lysine methyltransferase 2D; minus strand). Cytogenetic location: 12q13.12.
Variant type: Duplication.
Coding change: c.11756_11818dup on transcript NM_003482.4 (MANE Select); coding-DNA positions 11756 to 11818, 63 bases duplicated.
Protein change: p.Gln3939_Leu3940insGlnLeuGlnGlnGlnGlnGlnLeuGlnGlnGlnGlnLeuGlnGlnGlnGlnGlnGlnGlnGln.
Molecular consequence: inframe insertion.
Genome position (GRCh38, 1-based): chr12:49,032,887-49,032,949, 63 bases duplicated. GRCh37 (hg19): chr12:49,426,683-49,426,745.
Identifiers: ClinVar variation 4720761 (VCV004720761.1).